The following is an entry in ClinVar:

NM_014727.3(KMT2B):c.6073G>A (p.Glu2025Lys)

Gene: KMT2B (lysine methyltransferase 2B; plus strand). Cytogenetic location: 19q13.12.
Variant type: single nucleotide variant.
Coding change: c.6073G>A on transcript NM_014727.3 (MANE Select); coding-DNA position 6073, G replaced by A.
Protein change: p.Glu2025Lys; replaces glutamic acid 2025 with lysine.
Molecular consequence: missense variant.
Genome position (GRCh38, 1-based): chr19:35,732,622, G>A. VCF-style: chr19-35732622-G-A. GRCh37 (hg19) VCF-style: chr19-36223523-G-A.
Other names: short protein forms E2025K.
Identifiers: ClinVar variation 3772446 (VCV003772446.13).

ClinVar aggregate classification (germline): Uncertain significance (1 of 4 stars; one submission).

gnomAD v4.1: 9 of 1,611,892 alleles (0.00056%); highest among the groups gnomAD compares: East Asian, 0.0022%; no homozygotes.

Submission:

CeGaT Center for Human Genetics Tuebingen
Classification: Uncertain significance. Last evaluated: 2025-02-01. Review status: criteria provided, single submitter. Criteria: CeGaT Center For Human Genetics Tuebingen Variant Classification Criteria Version 2. Collection method: clinical testing. Allele origin: germline. Affected: yes. Observed: 1 variant allele.
Comment: KMT2B: PM2